The following is an entry in ClinVar:

NM_007327.4(GRIN1):c.1674C>G (p.Phe558Leu)

Gene: GRIN1 (glutamate ionotropic receptor NMDA type subunit 1; plus strand). Cytogenetic location: 9q34.3.
Variant type: single nucleotide variant.
Coding change: c.1674C>G on transcript NM_007327.4 (MANE Select); coding-DNA position 1674, C replaced by G.
Protein change: p.Phe558Leu; replaces phenylalanine 558 with leucine.
Molecular consequence: missense variant.
Genome position (GRCh38, 1-based): chr9:137,162,213, C>G. VCF-style: chr9-137162213-C-G. GRCh37 (hg19) VCF-style: chr9-140056665-C-G.
Other names: c.1674C>G, p.Phe558Leu (NM_000832.7, NM_021569.4); c.1737C>G, p.Phe579Leu (NM_001185090.2, NM_001185091.2); short protein forms F558L, F579L.
Identifiers: ClinVar variation 2864596 (VCV002864596.3), dbSNP rs2538636991, ClinGen allele CA375717790.
Genomic context (GRCh38, chr9:137,162,213, plus strand): 5'-ACCTCGCGTCCCTCCGCAGGAGATTCCCCGGAGCACGCTGGACTCGTTCATGCAGCCGTT[C>G]CAGAGCACACTGTGGCTGCTGGTGGGGCTGTCGGTGCACGTGGTGGCCGTGATGCTGTAC-3'
Protein context (NP_015566.1, residues 548-568): RSTLDSFMQP[Phe558Leu]QSTLWLLVGL

ClinVar aggregate classification (germline): Uncertain significance (1 of 4 stars; one submission).

Conditions:
Neurodevelopmental disorder with or without hyperkinetic movements and seizures, autosomal dominant. Also called: Intellectual disability, autosomal dominant 8. Identifiers: MedGen C3280282, MONDO:0013655, OMIM 614254.

Submission:

Labcorp Genetics (formerly Invitae), Labcorp
Classification: Uncertain significance for Neurodevelopmental disorder with or without hyperkinetic movements and seizures, autosomal dominant. Last evaluated: 2023-05-15. Review status: criteria provided, single submitter. Criteria: Invitae Variant Classification Sherloc (09022015). Collection method: clinical testing. Allele origin: germline.
Comment: In summary, the available evidence is currently insufficient to determine the role of this variant in disease. Therefore, it has been classified as a Variant of Uncertain Significance. Advanced modeling of protein sequence and biophysical properties (such as structural, functional, and spatial information, amino acid conservation, physicochemical variation, residue mobility, and thermodynamic stability) has been performed at Invitae for this missense variant, however the output from this modeling did not meet the statistical confidence thresholds required to predict the impact of this variant on GRIN1 protein function. This variant has not been reported in the literature in individuals affected with GRIN1-related conditions. This variant is not present in population databases (gnomAD no frequency). This sequence change replaces phenylalanine, which is neutral and non-polar, with leucine, which is neutral and non-polar, at codon 558 of the GRIN1 protein (p.Phe558Leu).